The following is an entry in ClinVar:

NM_001171.6(ABCC6):c.1982T>G (p.Val661Gly)

Gene: ABCC6 (ATP binding cassette subfamily C member 6; minus strand). Cytogenetic location: 16p13.11.
Variant type: single nucleotide variant.
Coding change: c.1982T>G on transcript NM_001171.6 (MANE Select); coding-DNA position 1982, T replaced by G.
Protein change: p.Val661Gly; replaces valine 661 with glycine.
Molecular consequence: missense variant. On other transcripts: non-coding transcript variant (1).
Genome position (GRCh38, 1-based): chr16:16,182,892, A>C on the plus strand (T>G on the coding strand, the complement: ABCC6 is on the minus strand). VCF-style: chr16-16182892-A-C. GRCh37 (hg19) VCF-style: chr16-16276749-A-C.
Other names: c.1640T>G, p.Val547Gly (NM_001351800.1); short protein forms V547G, V661G.
Identifiers: ClinVar variation 3649477 (VCV003649477.2).

ClinVar aggregate classification (germline): Uncertain significance (1 of 4 stars; one submission).

Submission:

Labcorp Genetics (formerly Invitae), Labcorp
Classification: Uncertain significance. Last evaluated: 2024-04-10. Review status: criteria provided, single submitter. Criteria: Invitae Variant Classification Sherloc (09022015). Collection method: clinical testing. Allele origin: germline.
Comment: This sequence change replaces valine, which is neutral and non-polar, with glycine, which is neutral and non-polar, at codon 661 of the ABCC6 protein (p.Val661Gly). This variant is not present in population databases (gnomAD no frequency). This variant has not been reported in the literature in individuals affected with ABCC6-related conditions. Advanced modeling of protein sequence and biophysical properties (such as structural, functional, and spatial information, amino acid conservation, physicochemical variation, residue mobility, and thermodynamic stability) performed at Invitae indicates that this missense variant is expected to disrupt ABCC6 protein function with a positive predictive value of 95%. In summary, the available evidence is currently insufficient to determine the role of this variant in disease. Therefore, it has been classified as a Variant of Uncertain Significance.